The following is an entry in ClinVar:

ClinVar aggregate classification (germline): Uncertain significance (1 of 4 stars; one submission).

Conditions:
SLC35A2-congenital disorder of glycosylation. Also called: EPILEPTIC ENCEPHALOPATHY, EARLY INFANTILE, 22; CONGENITAL DISORDER OF GLYCOSYLATION, TYPE IIm; CDG IIm; CONGENITAL DISORDER OF GLYCOSYLATION, TYPE IIm, SOMATIC MOSAIC; DEVELOPMENTAL AND EPILEPTIC ENCEPHALOPATHY 22; SLC35A2-CDG. Identifiers: Orphanet 356961, MedGen C3806688, MONDO:0010478, OMIM 300896.

Submission:

Labcorp Genetics (formerly Invitae), Labcorp
Classification: Uncertain significance for SLC35A2-congenital disorder of glycosylation. Last evaluated: 2024-10-28. Review status: criteria provided, single submitter. Criteria: Invitae Variant Classification Sherloc (09022015). Collection method: clinical testing. Allele origin: germline.
Comment: This sequence change replaces proline, which is neutral and non-polar, with threonine, which is neutral and polar, at codon 194 of the SLC35A2 protein (p.Pro194Thr). This variant is not present in population databases (gnomAD no frequency). This variant has not been reported in the literature in individuals affected with SLC35A2-related conditions. ClinVar contains an entry for this variant (Variation ID: 642753). Invitae Evidence Modeling of protein sequence and biophysical properties (such as structural, functional, and spatial information, amino acid conservation, physicochemical variation, residue mobility, and thermodynamic stability) indicates that this missense variant is not expected to disrupt SLC35A2 protein function with a negative predictive value of 80%. In summary, the available evidence is currently insufficient to determine the role of this variant in disease. Therefore, it has been classified as a Variant of Uncertain Significance.

NM_005660.3(SLC35A2):c.580C>A (p.Pro194Thr)

Gene: SLC35A2 (solute carrier family 35 member A2; minus strand). Cytogenetic location: Xp11.23.
Variant type: single nucleotide variant.
Coding change: c.580C>A on transcript NM_005660.3 (MANE Select); coding-DNA position 580, C replaced by A.
Protein change: p.Pro194Thr; replaces proline 194 with threonine.
Molecular consequence: missense variant. On other transcripts: intron variant (3).
Genome position (GRCh38, 1-based): chrX:48,905,329, G>T on the plus strand (C>A on the coding strand, the complement: SLC35A2 is on the minus strand). VCF-style: chrX-48905329-G-T. GRCh37 (hg19) VCF-style: chrX-48762606-G-T.
Other names: c.580C>A, p.Pro194Thr (NM_001042498.3); c.397C>A, p.Pro133Thr (NM_001282649.2); c.619C>A, p.Pro207Thr (NM_001282650.2); c.664C>A, p.Pro222Thr (NM_001282651.2); c.427-437C>A (NM_001282647.2, NM_001032289.3); c.355-437C>A (NM_001282648.2); short protein forms P207T, P222T, P133T, P194T.
Identifiers: ClinVar variation 642753 (VCV000642753.9), dbSNP rs1181948827, ClinGen allele CA412895666.
Genomic context (GRCh38, chrX:48,905,329, plus strand): 5'-CGGAGGAGAGACAGGAGGCCACGACGGCTGCCAGGCCTGCCCCAGGGTTCTGATCCAGTG[G>T]CCGTGGGCCTCCCCCACCGGCTTGCTGTGCCTGGACAATGGCGACGCCAGTGAAGAGGAG-3'
Protein context (NP_005651.1, residues 184-204): AQQAGGGGPR[Pro194Thr]LDQNPGAGLA